The following is an entry in ClinVar:

NM_006947.4(SRP72):c.623G>T (p.Arg208Leu)

Gene: SRP72 (signal recognition particle 72; plus strand). Cytogenetic location: 4q12.
Variant type: single nucleotide variant.
Coding change: c.623G>T on transcript NM_006947.4 (MANE Select); coding-DNA position 623, G replaced by T.
Protein change: p.Arg208Leu; replaces arginine 208 with leucine.
Molecular consequence: missense variant. On other transcripts: non-coding transcript variant (1).
Genome position (GRCh38, 1-based): chr4:56,476,683, G>T. VCF-style: chr4-56476683-G-T. GRCh37 (hg19) VCF-style: chr4-57342849-G-T.
Other names: c.623G>T, p.Arg208Leu (NM_001267722.2); short protein forms R208L.
Identifiers: ClinVar variation 4589588 (VCV004589588.1).

ClinVar aggregate classification (germline): Uncertain significance (1 of 4 stars; one submission).

Submission:

Ambry Genetics
Classification: Uncertain significance. Last evaluated: 2025-10-01. Review status: criteria provided, single submitter. Criteria: Ambry Variant Classification Scheme 2023. Collection method: clinical testing. Allele origin: germline.
Comment: The p.R208L variant (also known as c.623G>T), located in coding exon 6 of the SRP72 gene, results from a G to T substitution at nucleotide position 623. The arginine at codon 208 is replaced by leucine, an amino acid with dissimilar properties. This amino acid position is conserved. In addition, the in silico prediction for this alteration is inconclusive. Based on the available evidence, the clinical significance of this variant remains unclear.